The following is an entry in ClinVar:

NM_001244710.2(GFPT1):c.*3065G>A

Gene: GFPT1 (glutamine--fructose-6-phosphate transaminase 1; minus strand). Cytogenetic location: 2p13.3.
Variant type: single nucleotide variant.
Coding change: c.*3065G>A on transcript NM_001244710.2 (MANE Select); 3065 bases downstream of the stop codon, G replaced by A.
Molecular consequence: 3 prime UTR variant.
Genome position (GRCh38, 1-based): chr2:69,323,124, C>T on the plus strand (G>A on the coding strand, the complement: GFPT1 is on the minus strand). VCF-style: chr2-69323124-C-T. GRCh37 (hg19) VCF-style: chr2-69550256-C-T.
Other names: c.*3065G>A (NM_002056.4).
Identifiers: ClinVar variation 336823 (VCV000336823.6), dbSNP rs7568296, ClinGen allele CA10615991.
Genomic context (GRCh38, chr2:69,323,124, plus strand): 5'-TTATAATAAGCTAAAAATAGTTAACATTAATTTTTCTCTTTATCTTTTATTCTTATGGCA[C>T]AGAATTTATTTTAAAAGACTGAAAAACTGATTCCAATGTAATAATCACTTACTGGGCCAC-3'

ClinVar aggregate classification (germline): Benign. Review status: criteria provided, multiple submitters, no conflicts (2 of 4 stars). 2 submissions from 2 submitters: Benign (2). Last evaluated 2018-01-13.

Conditions:
Congenital myasthenic syndrome 12 (CMS12). Also called: MYASTHENIC SYNDROME, CONGENITAL, WITH TUBULAR AGGREGATES 1; Myasthenia, congenital, 12, with tubular aggregates. Identifiers: Orphanet 353327, Orphanet 590, MedGen C3552335, MONDO:0012518, OMIM 610542.

Allele frequency attached by ClinVar (database versions not stated): 1000 Genomes Project 0.66354; gnomAD 0.66575 and 0.67342; 1000 Genomes Project 30x 0.66989; TOPMed 0.67410.

Submissions (2):

Illumina Laboratory Services, Illumina
Classification: Benign for Congenital myasthenic syndrome 12. Last evaluated: 2018-01-13. Review status: criteria provided, single submitter. Criteria: ICSL Variant Classification Criteria 13 December 2019. Collection method: clinical testing. Allele origin: germline.
Comment: This variant was observed in the ICSL laboratory as part of a predisposition screen in an ostensibly healthy population. It had not been previously curated by ICSL or reported in the Human Gene Mutation Database (HGMD: prior to June 1st, 2018), and was therefore a candidate for classification through an automated scoring system. Utilizing variant allele frequency, disease prevalence and penetrance estimates, and inheritance mode, an automated score was calculated to assess if this variant is too frequent to cause the disease. Based on the score and internal cut-off values, a variant classified as benign is not then subjected to further curation. The score for this variant resulted in a classification of benign for this disease.

Breakthrough Genomics
Classification: Benign. Review status: criteria provided, single submitter. Criteria: ACMG Guidelines, 2015. Collection method: not provided. Allele origin: germline. Inheritance: Autosomal recessive inheritance. Affected: yes.